The following is an entry in ClinVar:

NM_001291303.3(FAT4):c.5515C>A (p.Pro1839Thr)

Gene: FAT4 (FAT atypical cadherin 4; plus strand). Cytogenetic location: 4q28.1.
Variant type: single nucleotide variant.
Coding change: c.5515C>A on transcript NM_001291303.3 (MANE Select); coding-DNA position 5515, C replaced by A.
Protein change: p.Pro1839Thr; replaces proline 1839 with threonine.
Molecular consequence: missense variant.
Genome position (GRCh38, 1-based): chr4:125,407,087, C>A. VCF-style: chr4-125407087-C-A. GRCh37 (hg19) VCF-style: chr4-126328242-C-A.
Other names: c.5515C>A, p.Pro1839Thr (NM_001291285.3, NM_024582.6); short protein forms P1839T.
Identifiers: ClinVar variation 2131805 (VCV002131805.4), dbSNP rs777696734, ClinGen allele CA3072735.

ClinVar aggregate classification (germline): Uncertain significance (1 of 4 stars; one submission).

Allele frequency attached by ClinVar (database versions not stated): TOPMed below 0.00001; ExAC 0.00001.

Submission:

Labcorp Genetics (formerly Invitae), Labcorp
Classification: Uncertain significance. Last evaluated: 2023-12-11. Review status: criteria provided, single submitter. Criteria: Invitae Variant Classification Sherloc (09022015). Collection method: clinical testing. Allele origin: germline.
Comment: This sequence change replaces proline, which is neutral and non-polar, with threonine, which is neutral and polar, at codon 1839 of the FAT4 protein (p.Pro1839Thr). This variant is present in population databases (rs777696734, gnomAD 0.0009%). This variant has not been reported in the literature in individuals affected with FAT4-related conditions. ClinVar contains an entry for this variant (Variation ID: 2131805). Advanced modeling of protein sequence and biophysical properties (such as structural, functional, and spatial information, amino acid conservation, physicochemical variation, residue mobility, and thermodynamic stability) performed at Invitae indicates that this missense variant is not expected to disrupt FAT4 protein function with a negative predictive value of 80%. In summary, the available evidence is currently insufficient to determine the role of this variant in disease. Therefore, it has been classified as a Variant of Uncertain Significance.